The following is an entry in ClinVar:

NC_000019.9:g.(?_17873551)_(17899107_?)dup

Gene: FCHO1 (FCH and mu domain containing endocytic adaptor 1; plus strand). Cytogenetic location: 19p13.11.
Variant type: Duplication.
Identifiers: ClinVar variation 1432068 (VCV001432068.5).

ClinVar aggregate classification (germline): Uncertain significance (1 of 4 stars; one submission).

Submission:

Labcorp Genetics (formerly Invitae), Labcorp
Classification: Uncertain significance. Last evaluated: 2022-06-09. Review status: criteria provided, single submitter. Criteria: Invitae Variant Classification Sherloc (09022015). Collection method: clinical testing. Allele origin: germline.
Comment: This variant results in a copy number gain of the genomic region encompassing exon(s) 5-29 of the FCHO1 gene. This region includes the termination codon of the gene. This copy number gain extends beyond the assayed region for this gene and therefore may encompass additional genes. As the precise location of this event is unknown, it may be in tandem or it may be located elsewhere in the genome. This variant has not been reported in the literature in individuals affected with FCHO1-related conditions. Experimental studies and prediction algorithms are not available or were not evaluated, and the functional significance of this variant is currently unknown. In summary, the available evidence is currently insufficient to determine the role of this variant in disease. Therefore, it has been classified as a Variant of Uncertain Significance.